The following is an entry in ClinVar:

NM_003737.4(DCHS1):c.8882T>A (p.Val2961Asp)

Gene: DCHS1 (dachsous cadherin-related 1; minus strand). Cytogenetic location: 11p15.4.
Variant type: single nucleotide variant.
Coding change: c.8882T>A on transcript NM_003737.4 (MANE Select); coding-DNA position 8882, T replaced by A.
Protein change: p.Val2961Asp; replaces valine 2961 with aspartic acid.
Molecular consequence: missense variant.
Genome position (GRCh38, 1-based): chr11:6,622,794, A>T on the plus strand (T>A on the coding strand, the complement: DCHS1 is on the minus strand). VCF-style: chr11-6622794-A-T. GRCh37 (hg19) VCF-style: chr11-6644025-A-T.
Other names: short protein forms V2961D.
Identifiers: ClinVar variation 4739595 (VCV004739595.1).

ClinVar aggregate classification (germline): Uncertain significance (1 of 4 stars; one submission).

gnomAD v4.1: 1 of 1,593,936 alleles (0.000063%); highest among the groups gnomAD compares: Middle Eastern, 0.017%; no homozygotes.

Submission:

Labcorp Genetics (formerly Invitae), Labcorp
Classification: Uncertain significance. Last evaluated: 2025-12-24. Review status: criteria provided, single submitter. Criteria: Invitae Variant Classification Sherloc (09022015). Collection method: clinical testing. Allele origin: germline.
Comment: This sequence change replaces valine, which is neutral and non-polar, with aspartic acid, which is acidic and polar, at codon 2961 of the DCHS1 protein (p.Val2961Asp). This variant is not present in population databases (gnomAD no frequency). This variant has not been reported in the literature in individuals affected with DCHS1-related conditions. Invitae Evidence Modeling of protein sequence and biophysical properties (such as structural, functional, and spatial information, amino acid conservation, physicochemical variation, residue mobility, and thermodynamic stability) indicates that this missense variant is not expected to disrupt DCHS1 protein function with a negative predictive value of 95%. In summary, the available evidence is currently insufficient to determine the role of this variant in disease. Therefore, it has been classified as a Variant of Uncertain Significance.